The following is an entry in ClinVar:

ClinVar aggregate classification (germline): Pathogenic. Review status: criteria provided, multiple submitters, no conflicts (2 of 4 stars). 2 submissions from 2 submitters: Pathogenic (2). Last evaluated 2023-10-20.

Conditions:
Facioscapulohumeral muscular dystrophy 2 (FSHD2). Also called: MUSCULAR DYSTROPHY, FACIOSCAPULOHUMERAL, TYPE 1B; FACIOSCAPULOHUMERAL MUSCULAR DYSTROPHY 2, DIGENIC; FSHD2, DIGENIC. Identifiers: Orphanet 269, MedGen C1834671, MONDO:0008031, OMIM 158901.

Submissions (2):

Labcorp Genetics (formerly Invitae), Labcorp
Classification: Pathogenic for Facioscapulohumeral muscular dystrophy 2. Last evaluated: 2023-10-20. Review status: criteria provided, single submitter. Criteria: Invitae Variant Classification Sherloc (09022015). Collection method: clinical testing. Allele origin: germline.
Comment: This sequence change creates a premature translational stop signal (p.Arg1795*) in the SMCHD1 gene. It is expected to result in an absent or disrupted protein product. Loss-of-function variants in SMCHD1 are known to be pathogenic (PMID: 23143600). This variant is not present in population databases (gnomAD no frequency). This premature translational stop signal has been observed in individual(s) with fascioscapulohumeral muscular dystrophy (PMID: 25256356). ClinVar contains an entry for this variant (Variation ID: 1323625). For these reasons, this variant has been classified as Pathogenic.

Revvity Omics, Revvity
Classification: Pathogenic. Last evaluated: 2021-08-31. Review status: criteria provided, single submitter. Criteria: ACMG Guidelines, 2015. Collection method: clinical testing. Allele origin: germline.

Literature cited by the submitters: PubMed 23143600 (cited by Labcorp Genetics (formerly Invitae), Labcorp); PubMed 25256356 (cited by Labcorp Genetics (formerly Invitae), Labcorp).

NM_015295.3(SMCHD1):c.5383C>T (p.Arg1795Ter)

Gene: SMCHD1 (structural maintenance of chromosomes flexible hinge domain containing 1; plus strand). Cytogenetic location: 18p11.32.
Variant type: single nucleotide variant.
Coding change: c.5383C>T on transcript NM_015295.3 (MANE Select); coding-DNA position 5383, C replaced by T.
Protein change: p.Arg1795Ter; replaces arginine 1795 with a stop codon.
Molecular consequence: nonsense.
Genome position (GRCh38, 1-based): chr18:2,777,822, C>T. VCF-style: chr18-2777822-C-T. GRCh37 (hg19) VCF-style: chr18-2777820-C-T.
Other names: short protein forms R1795*.
Identifiers: ClinVar variation 1323625 (VCV001323625.7), dbSNP rs867694014, ClinGen allele CA295488287.